The following is an entry in ClinVar:

ClinVar aggregate classification (germline): Likely benign. Review status: criteria provided, multiple submitters, no conflicts (2 of 4 stars). 2 submissions from 2 submitters: Likely benign (2). Last evaluated 2025-04-08.

Conditions:
Long QT syndrome (LQTS). Identifiers: MedGen C0023976, MeSH D008133, MONDO:0002442. Disease mechanism: loss of function. Inheritance: Various modes of inheritance.

Allele frequency attached by ClinVar (database versions not stated): TOPMed below 0.00001.

Submissions (2):

Labcorp Genetics (formerly Invitae), Labcorp
Classification: Likely benign for Long QT syndrome. Last evaluated: 2025-04-08. Review status: criteria provided, single submitter. Criteria: Invitae Variant Classification Sherloc (09022015). Collection method: clinical testing. Allele origin: germline.

All of Us Research Program, National Institutes of Health
Classification: Likely benign for Long QT syndrome. Last evaluated: 2023-07-10. Review status: criteria provided, single submitter. Criteria: ACMG Guidelines, 2015. Collection method: clinical testing. Allele origin: germline. Inheritance: Autosomal dominant inheritance. Observed: 1 variant allele, 1 heterozygote.
Comment: This study involves interpretation of variants in research participants for the purpose of population health screening. Participant phenotype was not available at the time of variant classification. Additional details can be found in publication PMID: 35346344, PMCID: PMC8962531

NM_000238.4(KCNH2):c.308-4G>A

Gene: KCNH2 (potassium voltage-gated channel subfamily H member 2; minus strand). Cytogenetic location: 7q36.1.
Variant type: single nucleotide variant.
Coding change: c.308-4G>A on transcript NM_000238.4 (MANE Select); 4 bases into the intron before coding-DNA position 308, G replaced by A.
Molecular consequence: intron variant. On other transcripts: missense variant (2).
Genome position (GRCh38, 1-based): chr7:150,959,740, C>T on the plus strand (G>A on the coding strand, the complement: KCNH2 is on the minus strand). VCF-style: chr7-150959740-C-T. GRCh37 (hg19) VCF-style: chr7-150656828-C-T.
Other names: c.16G>A, p.Ala6Thr (NM_001406753.1, NM_001406756.1); c.308-4G>A (NM_172056.3); c.131-4G>A (NM_001406755.1); c.8-4G>A (NM_001406757.1); short protein forms A6T.
Identifiers: ClinVar variation 3072422 (VCV003072422.2), dbSNP rs1801503146, ClinGen allele CA1752420158.